The following is an entry in ClinVar:

ClinVar aggregate classification (germline): Benign (1 of 4 stars; one submission).

Conditions:
Melanoma-pancreatic cancer syndrome. Identifiers: Orphanet 404560, MedGen C1838547, MONDO:0011713, OMIM 606719. Disease mechanism: loss of function.

gnomAD v4.1: 1 of 1,605,148 alleles (0.000062%); highest among the groups gnomAD compares: South Asian, 0.0011%; no homozygotes.

Submission:

Myriad Genetics, Inc.
Classification: Benign for Melanoma-pancreatic cancer syndrome. Last evaluated: 2025-08-12. Review status: criteria provided, single submitter. Criteria: Myriad Autosomal Dominant, Autosomal Recessive and X-Linked Classification Criteria (2023). Collection method: clinical testing. Allele origin: unknown.
Comment: This variant is considered benign. This variant is a silent/synonymous amino acid change and it is not expected to impact splicing.

NM_058195.4(CDKN2A):c.63G>A (p.Arg21=)

Gene: CDKN2A (cyclin dependent kinase inhibitor 2A; minus strand). Cytogenetic location: 9p21.3.
Variant type: single nucleotide variant.
Coding change: c.63G>A on transcript NM_058195.4 (MANE Plus Clinical); coding-DNA position 63, G replaced by A.
Protein change: p.Arg21=; no amino-acid change (arginine 21 retained).
Molecular consequence: synonymous variant. On other transcripts: intron variant (1).
Genome position (GRCh38, 1-based): chr9:21,994,269, C>T on the plus strand (G>A on the coding strand, the complement: CDKN2A is on the minus strand). VCF-style: chr9-21994269-C-T. GRCh37 (hg19) VCF-style: chr9-21994268-C-T.
Other names: c.-4+552G>A (NM_001363763.2).
Identifiers: ClinVar variation 4294206 (VCV004294206.1).